The following is an entry in ClinVar:

ClinVar aggregate classification (germline): Uncertain significance (1 of 4 stars; one submission).

gnomAD v4.1: 1 of 1,611,340 alleles (0.000062%); highest among the groups gnomAD compares: East Asian, 0.0022%; no homozygotes.

Submission:

Labcorp Genetics (formerly Invitae), Labcorp
Classification: Uncertain significance. Last evaluated: 2022-08-15. Review status: criteria provided, single submitter. Criteria: Invitae Variant Classification Sherloc (09022015). Collection method: clinical testing. Allele origin: germline.
Comment: This sequence change replaces valine, which is neutral and non-polar, with leucine, which is neutral and non-polar, at codon 472 of the SLC18A3 protein (p.Val472Leu). This variant is not present in population databases (gnomAD no frequency). In summary, the available evidence is currently insufficient to determine the role of this variant in disease. Therefore, it has been classified as a Variant of Uncertain Significance. Algorithms developed to predict the effect of missense changes on protein structure and function are either unavailable or do not agree on the potential impact of this missense change (SIFT: "Deleterious"; PolyPhen-2: "Possibly Damaging"; Align-GVGD: "Class C0"). ClinVar contains an entry for this variant (Variation ID: 1368776). This variant has not been reported in the literature in individuals affected with SLC18A3-related conditions.

NM_003055.3(SLC18A3):c.1414G>T (p.Val472Leu)

Genes: CHAT (choline O-acetyltransferase; plus strand), SLC18A3 (solute carrier family 18 member A3; plus strand). Cytogenetic location: 10q11.23.
Variant type: single nucleotide variant.
Coding change: c.1414G>T on transcript NM_003055.3 (MANE Select); coding-DNA position 1414, G replaced by T.
Protein change: p.Val472Leu; replaces valine 472 with leucine.
Molecular consequence: missense variant. On other transcripts: intron variant (1).
Genome position (GRCh38, 1-based): chr10:49,612,154, G>T. VCF-style: chr10-49612154-G-T. GRCh37 (hg19) VCF-style: chr10-50820200-G-T.
Other names: c.-69+2955G>T (NM_020984.4); short protein forms V472L.
Identifiers: ClinVar variation 1368776 (VCV001368776.7), dbSNP rs778197467, ClinGen allele CA376723332.